The following is an entry in ClinVar:

ClinVar aggregate classification (germline): Uncertain significance. Review status: criteria provided, multiple submitters, no conflicts (2 of 4 stars). 2 submissions from 2 submitters: Uncertain significance (2). Last evaluated 2026-07-16.

Conditions:
RASA2-related disorder. Also called: RASA2-related condition.

gnomAD v4.1: 10 of 1,604,606 alleles (0.00062%); highest among the groups gnomAD compares: Non-Finnish European, 0.00085%; no homozygotes.

Submissions (2):

PreventionGenetics, part of Exact Sciences
Classification: Uncertain significance for RASA2-related condition. Last evaluated: 2026-07-16. Review status: criteria provided, single submitter. Criteria: ACMG Guidelines, 2015. Collection method: clinical testing. Allele origin: germline.
Comment: The RASA2 c.2470C>G variant is predicted to result in the amino acid substitution p.Leu824Val. To our knowledge, this variant has not been reported in the literature. This variant is reported in 0.00079% of alleles in individuals of European (Non-Finnish) descent in gnomAD. At this time, the clinical significance of this variant is uncertain due to the absence of conclusive functional and genetic evidence.

Ambry Genetics
Classification: Uncertain significance. Last evaluated: 2024-09-30. Review status: criteria provided, single submitter. Criteria: Ambry Variant Classification Scheme 2023. Collection method: clinical testing. Allele origin: germline.

NM_006506.5(RASA2):c.2458C>G (p.Leu820Val)

Gene: RASA2 (RAS p21 protein activator 2; plus strand). Cytogenetic location: 3q23.
Variant type: single nucleotide variant.
Coding change: c.2458C>G on transcript NM_006506.5 (MANE Select); coding-DNA position 2458, C replaced by G.
Protein change: p.Leu820Val; replaces leucine 820 with valine.
Molecular consequence: missense variant.
Genome position (GRCh38, 1-based): chr3:141,610,005, C>G. VCF-style: chr3-141610005-C-G. GRCh37 (hg19) VCF-style: chr3-141328847-C-G.
Other names: c.2470C>G (NM_001303246.1); c.2461C>G, p.Leu821Val (NM_001303245.3); c.2470C>G, p.Leu824Val (NM_001303246.3); short protein forms L820V, L821V, L824V.
Identifiers: ClinVar variation 3430491 (VCV003430491.2).
Genomic context (GRCh38, chr3:141,610,005, plus strand): 5'-ATCGAGGATTCTGTAACAACCTTTAAGACAATTCAGCAAATAAAAAGCATAATTGAGAAG[C>G]TGGATGAACCTCATGAAAAATATAGGAAGAAAAGATCCAGTAGTGCAAAATATGGGAGCA-3'
Protein context (NP_006497.2, residues 810-830): IQQIKSIIEK[Leu820Val]DEPHEKYRKK